The following is an entry in ClinVar:

ClinVar aggregate classification (germline): Uncertain significance. Review status: criteria provided, multiple submitters, no conflicts (2 of 4 stars). 2 submissions from 2 submitters: Uncertain significance (2). Last evaluated 2024-06-14.

Conditions:
Renal tubular dysgenesis of genetic origin. Also called: PRIMITIVE RENAL TUBULE SYNDROME. Identifiers: Orphanet 97369, MedGen C5681536, MONDO:0009970, OMIM 267430.

Allele frequency attached by ClinVar (database versions not stated): ExAC 0.00002; gnomAD 0.00004; TOPMed 0.00004; ESP Exome Variant Server 0.00008.
gnomAD v4.1: 55 of 1,613,890 alleles (0.0034%); highest among the groups gnomAD compares: Middle Eastern, 0.017%; no homozygotes.

Submissions (2):

Fulgent Genetics
Classification: Uncertain significance for Renal tubular dysgenesis of genetic origin. Last evaluated: 2024-06-14. Review status: criteria provided, single submitter. Criteria: ACMG Guidelines, 2015. Collection method: clinical testing. Allele origin: germline.

Labcorp Genetics (formerly Invitae), Labcorp
Classification: Uncertain significance. Last evaluated: 2022-08-23. Review status: criteria provided, single submitter. Criteria: Invitae Variant Classification Sherloc (09022015). Collection method: clinical testing. Allele origin: germline.
Comment: In summary, the available evidence is currently insufficient to determine the role of this variant in disease. Therefore, it has been classified as a Variant of Uncertain Significance. Algorithms developed to predict the effect of sequence changes on RNA splicing suggest that this variant may create or strengthen a splice site. Advanced modeling of protein sequence and biophysical properties (such as structural, functional, and spatial information, amino acid conservation, physicochemical variation, residue mobility, and thermodynamic stability) performed at Invitae indicates that this missense variant is not expected to disrupt AGT protein function. ClinVar contains an entry for this variant (Variation ID: 1478252). This variant has not been reported in the literature in individuals affected with AGT-related conditions. This variant is present in population databases (rs377164467, gnomAD 0.007%). This sequence change replaces glycine, which is neutral and non-polar, with serine, which is neutral and polar, at codon 14 of the AGT protein (p.Gly14Ser).

NM_001384479.1(AGT):c.13G>A (p.Gly5Ser)

Gene: AGT (angiotensinogen; minus strand). Cytogenetic location: 1q42.2.
Variant type: single nucleotide variant.
Coding change: c.13G>A on transcript NM_001384479.1 (MANE Select); coding-DNA position 13, G replaced by A.
Protein change: p.Gly5Ser; replaces glycine 5 with serine.
Molecular consequence: missense variant.
Genome position (GRCh38, 1-based): chr1:230,710,811, C>T on the plus strand (G>A on the coding strand, the complement: AGT is on the minus strand). VCF-style: chr1-230710811-C-T. GRCh37 (hg19) VCF-style: chr1-230846557-C-T.
Other names: c.13G>A, p.Gly5Ser (NM_001382817.3); short protein forms G5S.
Identifiers: ClinVar variation 1478252 (VCV001478252.10), dbSNP rs377164467, ClinGen allele CA1448399.